The following is an entry in ClinVar:

NM_002185.5(IL7R):c.1022G>A (p.Gly341Glu)

Gene: IL7R (interleukin 7 receptor; plus strand). Cytogenetic location: 5p13.2.
Variant type: single nucleotide variant.
Coding change: c.1022G>A on transcript NM_002185.5 (MANE Select); coding-DNA position 1022, G replaced by A.
Protein change: p.Gly341Glu; replaces glycine 341 with glutamic acid.
Molecular consequence: missense variant. On other transcripts: non-coding transcript variant (1).
Genome position (GRCh38, 1-based): chr5:35,876,128, G>A. VCF-style: chr5-35876128-G-A. GRCh37 (hg19) VCF-style: chr5-35876230-G-A.
Other names: c.1022G>A (NM_002185.2); short protein forms G341E.
Identifiers: ClinVar variation 972480 (VCV000972480.10), dbSNP rs753614229, ClinGen allele CA3232183.

ClinVar aggregate classification (germline): Uncertain significance. Review status: criteria provided, multiple submitters, no conflicts (2 of 4 stars). 2 submissions from 2 submitters: Uncertain significance (2). Last evaluated 2025-06-10.

Conditions:
Inborn genetic diseases. Identifiers: MedGen C0950123, MeSH D030342.
Immunodeficiency 104. Also called: Severe combined immunodeficiency, autosomal recessive, T cell-negative, B cell-positive, NK cell-positive; IMMUNODEFICIENCY 104, SEVERE COMBINED; SCID, AUTOSOMAL RECESSIVE, T CELL-NEGATIVE, B CELL-POSITIVE, NK CELL-POSITIVE; Severe Combined Immune Deficiency, Autosomal Recessive, TCell -Negative, B Cell-Positive, NK Cell-Positive, IL7R-Related. Identifiers: MedGen C5676890, MONDO:0012163, OMIM 608971.

Allele frequency attached by ClinVar (database versions not stated): gnomAD exomes 0.00005; ExAC 0.00006; gnomAD 0.00012 and 0.00014; TOPMed 0.00013.
gnomAD v4.1: 52 of 1,614,064 alleles (0.0032%); highest among the groups gnomAD compares: African/African-American, 0.033%; no homozygotes.

Submissions (2):

Ambry Genetics
Classification: Uncertain significance for Inborn genetic diseases. Last evaluated: 2025-06-10. Review status: criteria provided, single submitter. Criteria: Ambry Variant Classification Scheme 2023. Collection method: clinical testing. Allele origin: germline.

Labcorp Genetics (formerly Invitae), Labcorp
Classification: Uncertain significance for Immunodeficiency 104. Last evaluated: 2022-07-19. Review status: criteria provided, single submitter. Criteria: Invitae Variant Classification Sherloc (09022015). Collection method: clinical testing. Allele origin: germline.
Comment: This sequence change replaces glycine, which is neutral and non-polar, with glutamic acid, which is acidic and polar, at codon 341 of the IL7R protein (p.Gly341Glu). This variant is present in population databases (rs753614229, gnomAD 0.04%). This variant has not been reported in the literature in individuals affected with IL7R-related conditions. ClinVar contains an entry for this variant (Variation ID: 972480). Advanced modeling of protein sequence and biophysical properties (such as structural, functional, and spatial information, amino acid conservation, physicochemical variation, residue mobility, and thermodynamic stability) performed at Invitae indicates that this missense variant is not expected to disrupt IL7R protein function. In summary, the available evidence is currently insufficient to determine the role of this variant in disease. Therefore, it has been classified as a Variant of Uncertain Significance.